The following is an entry in ClinVar:

NM_000069.3(CACNA1S):c.3831C>T (p.Leu1277=)

Gene: CACNA1S (calcium voltage-gated channel subunit alpha1 S; minus strand). Cytogenetic location: 1q32.1.
Variant type: single nucleotide variant.
Coding change: c.3831C>T on transcript NM_000069.3 (MANE Select); coding-DNA position 3831, C replaced by T.
Protein change: p.Leu1277=; no amino-acid change (leucine 1277 retained).
Molecular consequence: synonymous variant.
Genome position (GRCh38, 1-based): chr1:201,053,239, G>A on the plus strand (C>T on the coding strand, the complement: CACNA1S is on the minus strand). VCF-style: chr1-201053239-G-A. GRCh37 (hg19) VCF-style: chr1-201022367-G-A.
Identifiers: ClinVar variation 3072670 (VCV003072670.3), dbSNP rs772723904, ClinGen allele CA422719518.

ClinVar aggregate classification (germline): Likely benign. Review status: criteria provided, multiple submitters, no conflicts (2 of 4 stars). 2 submissions from 2 submitters: Likely benign (2). Last evaluated 2026-01-26.

Conditions:
Malignant hyperthermia, susceptibility to, 5 (MHS5). Also called: CACNA1S-Related Malignant Hyperthermia Susceptibility. Identifiers: Orphanet 423, MedGen C1866077, MONDO:0011163, OMIM 601887.
Hypokalemic periodic paralysis, type 1. Also called: HypoPP; Hypokalemic Periodic Paralysis Type 1 (AD). Identifiers: Orphanet 681, MedGen C3714580, MONDO:0042979, OMIM 170400.

Allele frequency attached by ClinVar (database versions not stated): gnomAD 0.00001.
gnomAD v4.1: 1 of 1,614,124 alleles (0.000062%); highest among the groups gnomAD compares: African/African-American, 0.0013%; no homozygotes.

Submissions (2):

Labcorp Genetics (formerly Invitae), Labcorp
Classification: Likely benign for Hypokalemic periodic paralysis, type 1; Malignant hyperthermia, susceptibility to, 5. Last evaluated: 2026-01-26. Review status: criteria provided, single submitter. Criteria: Invitae Variant Classification Sherloc (09022015). Collection method: clinical testing. Allele origin: germline.

All of Us Research Program, National Institutes of Health
Classification: Likely benign for Malignant hyperthermia, susceptibility to, 5. Last evaluated: 2023-08-15. Review status: criteria provided, single submitter. Criteria: ACMG Guidelines, 2015. Collection method: clinical testing. Allele origin: germline. Inheritance: Autosomal dominant inheritance. Observed: 1 variant allele, 1 heterozygote.
Comment: This study involves interpretation of variants in research participants for the purpose of population health screening. Participant phenotype was not available at the time of variant classification. Additional details can be found in publication PMID: 35346344, PMCID: PMC8962531